The following is an entry in ClinVar:

NM_004655.4(AXIN2):c.1547A>G (p.His516Arg)

Gene: AXIN2 (axin 2; minus strand). Cytogenetic location: 17q24.1.
Variant type: single nucleotide variant.
Coding change: c.1547A>G on transcript NM_004655.4 (MANE Select); coding-DNA position 1547, A replaced by G.
Protein change: p.His516Arg; replaces histidine 516 with arginine.
Molecular consequence: missense variant.
Genome position (GRCh38, 1-based): chr17:65,537,489, T>C on the plus strand (A>G on the coding strand, the complement: AXIN2 is on the minus strand). VCF-style: chr17-65537489-T-C. GRCh37 (hg19) VCF-style: chr17-63533607-T-C.
Other names: c.1547A>G (LRG_296t1); c.1547A>G, p.His516Arg (NM_001363813.1); short protein forms H516R.
Identifiers: ClinVar variation 220783 (VCV000220783.8), dbSNP rs864622657, ClinGen allele CA348740.

ClinVar aggregate classification (germline): Uncertain significance (1 of 4 stars; one submission).

Conditions:
Oligodontia-cancer predisposition syndrome. Also called: TOOTH AGENESIS-COLORECTAL CANCER SYNDROME. Identifiers: Orphanet 300576, MedGen C1837750, MONDO:0012075, OMIM 608615. Disease mechanism: loss of function.

Submission:

Labcorp Genetics (formerly Invitae), Labcorp
Classification: Uncertain significance for Oligodontia-cancer predisposition syndrome. Last evaluated: 2015-10-27. Review status: criteria provided, single submitter. Criteria: Invitae Variant Classification Sherloc (09022015). Collection method: clinical testing. Allele origin: germline.
Comment: This variant is not present in population databases (ExAC no frequency) and has not been reported in the literature. Algorithms developed to predict the effect of missense changes on protein structure and function do not agree on the potential impact of this missense change (SIFT: "Tolerated"; PolyPhen-2: "Probably Damaging"; Align-GVGD: "Class C0"). In summary, this is a novel missense change with uncertain impact on protein function. It has been classified as a Variant of Uncertain Significance. This sequence change replaces histidine with arginine at codon 516 of the AXIN2 protein (p.His516Arg). The histidine residue is moderately conserved and there is a small physicochemical difference between histidine and arginine.